The following is an entry in ClinVar:

NM_000302.4(PLOD1):c.1591A>C (p.Lys531Gln)

Gene: PLOD1 (procollagen-lysine,2-oxoglutarate 5-dioxygenase 1; plus strand). Cytogenetic location: 1p36.22.
Variant type: single nucleotide variant.
Coding change: c.1591A>C on transcript NM_000302.4 (MANE Select); coding-DNA position 1591, A replaced by C.
Protein change: p.Lys531Gln; replaces lysine 531 with glutamine.
Molecular consequence: missense variant.
Genome position (GRCh38, 1-based): chr1:11,966,257, A>C. VCF-style: chr1-11966257-A-C. GRCh37 (hg19) VCF-style: chr1-12026314-A-C.
Other names: c.1732A>C, p.Lys578Gln (NM_001316320.2); short protein forms K531Q, K578Q.
Identifiers: ClinVar variation 1775922 (VCV001775922.2), dbSNP rs1553136440, ClinGen allele CA598476.

ClinVar aggregate classification (germline): Uncertain significance (1 of 4 stars; one submission).

Conditions:
Familial thoracic aortic aneurysm and aortic dissection (TAAD). Also called: Thoracic aortic aneurysms and dissections. Identifiers: Orphanet 91387, MedGen C4707243, MONDO:0019625.

Allele frequency attached by ClinVar (database versions not stated): ExAC 0.00001.

Submission:

Ambry Genetics
Classification: Uncertain significance for Familial thoracic aortic aneurysm and aortic dissection. Last evaluated: 2021-12-01. Review status: criteria provided, single submitter. Criteria: Ambry Variant Classification Scheme 2023. Collection method: clinical testing. Allele origin: germline.
Comment: The p.K531Q variant (also known as c.1591A>C), located in coding exon 15 of the PLOD1 gene, results from an A to C substitution at nucleotide position 1591. The lysine at codon 531 is replaced by glutamine, an amino acid with similar properties. This amino acid position is conserved. In addition, this alteration is predicted to be tolerated by in silico analysis. Since supporting evidence is limited at this time, the clinical significance of this alteration remains unclear.